The following is an entry in ClinVar:

NM_006842.3(SF3B2):c.2101del (p.Glu701fs)

Gene: SF3B2 (splicing factor 3b subunit 2; plus strand). Cytogenetic location: 11q13.1.
Variant type: Deletion.
Coding change: c.2101del on transcript NM_006842.3 (MANE Select); coding-DNA position 2101, one base deleted (G; older notation c.2101delG).
Protein change: p.Glu701fs; shifts the reading frame from glutamic acid 701.
Molecular consequence: frameshift variant.
Genome position (GRCh38, 1-based): chr11:66,063,415, G deleted. VCF-style (leftmost placement, unchanged base first): chr11-66063414-AG-A. GRCh37 (hg19) VCF-style: chr11-65830885-AG-A.
Other names: short protein forms E701fs.
Identifiers: ClinVar variation 4292971 (VCV004292971.1).

ClinVar aggregate classification (germline): Likely pathogenic (1 of 4 stars; one submission).

Conditions:
Craniofacial microsomia 1 (CFM1). Also called: Hemifacial microsomia. Identifiers: Orphanet 374, MedGen C3495417, MONDO:0958175, OMIM 164210.

Submission:

3billion
Classification: Likely pathogenic for Craniofacial microsomia 1. Last evaluated: 2024-07-29. Review status: criteria provided, single submitter. Criteria: ACMG Guidelines, 2015. Collection method: clinical testing. Allele origin: germline. Affected: yes.
Comment: The variant is not observed in the gnomAD v4.0.0 dataset. Predicted Consequence/Location: Frameshift: predicted to result in a loss or disruption of normal protein function through nonsense-mediated decay (NMD) or protein truncation. Multiple pathogenic variants are reported downstream of the variant. Therefore, this variant is classified as Likely pathogenic according to the recommendation of ACMG/AMP guideline.